The following is an entry in ClinVar:

ClinVar aggregate classification (germline): Uncertain significance. Review status: reviewed by expert panel (3 of 4 stars). 6 submissions from 6 submitters: Uncertain significance (1). 5 of the submissions do not count toward it. Last evaluated 2020-03-19.

Conditions:
Cardiofaciocutaneous syndrome 4 (CFC4). Also called: MAP2K2-Related Cardiofaciocutaneous Syndrome. Identifiers: Orphanet 1340, MedGen C3809007, MONDO:0014114, OMIM 615280.
RASopathy. Also called: rasopathies; Noonan spectrum disorder. Identifiers: Orphanet 536391, MedGen C5555857, MONDO:0021060.

Allele frequency attached by ClinVar (database versions not stated): gnomAD 0.00001; TOPMed 0.00001.
gnomAD v4.1: 11 of 1,606,122 alleles (0.00068%); highest among the groups gnomAD compares: Non-Finnish European, 0.00085%; no homozygotes.

Submissions (6):

ClinGen RASopathy Variant Curation Expert Panel
Classification: Uncertain significance for RASopathy. Last evaluated: 2020-03-19. Review status: reviewed by expert panel. Criteria: ClinGen RASopathy ACMG Specifications v1. Collection method: curation. Allele origin: germline. Inheritance: Autosomal dominant inheritance.
Comment: The c.842G>A (p.Arg281Gln) variant in MAP2K2 was present in 0.007324% (1/13654) of Latino chromosomes in gnomAD v3. The variant is located in the MAP2K2 gene, which has been defined by the ClinGen RASopathy Expert Panel as a gene with a low rate of benign missense variants and pathogenic variants are common (PP2; PMID: 29493581). Computational analysis and splice site predictors suggest that this variant does not impact the protein (BP4). In summary, the clinical significance of this variant is uncertain. RASopathy-specific ACMG/AMP criteria applied: PP2, BP4.

Labcorp Genetics (formerly Invitae), Labcorp
Classification: Uncertain significance for RASopathy. Last evaluated: 2026-01-18. Review status: criteria provided, single submitter. Criteria: Invitae Variant Classification Sherloc (09022015). Collection method: clinical testing. Allele origin: germline. Not counted in ClinVar's aggregate classification.
Comment: This sequence change replaces arginine, which is basic and polar, with glutamine, which is neutral and polar, at codon 281 of the MAP2K2 protein (p.Arg281Gln). This variant is not present in population databases (gnomAD no frequency). This variant has not been reported in the literature in individuals affected with MAP2K2-related conditions. ClinVar contains an entry for this variant (Variation ID: 569590). Invitae Evidence Modeling incorporating data from in vitro experimental studies (internal data) indicates that this missense variant is not expected to disrupt MAP2K2 function with a negative predictive value of 95%. In summary, the available evidence is currently insufficient to determine the role of this variant in disease. Therefore, it has been classified as a Variant of Uncertain Significance.

Fulgent Genetics
Classification: Uncertain significance for Cardiofaciocutaneous syndrome 4. Last evaluated: 2024-05-24. Review status: criteria provided, single submitter. Criteria: ACMG Guidelines, 2015. Collection method: clinical testing. Allele origin: germline. Not counted in ClinVar's aggregate classification.

Blueprint Genetics
Classification: Uncertain significance. Last evaluated: 2023-08-04. Review status: criteria provided, single submitter. Criteria: ACMG Guidelines, 2015. Collection method: clinical testing. Allele origin: germline. Not counted in ClinVar's aggregate classification.

Mayo Clinic Laboratories, Mayo Clinic
Classification: Uncertain significance. Last evaluated: 2023-02-21. Review status: criteria provided, single submitter. Criteria: ACMG Guidelines, 2015. Collection method: clinical testing. Allele origin: germline. Observed: 1 variant allele. Not counted in ClinVar's aggregate classification.
Comment: BP4, PP2, PM2_supporting

CeGaT Center for Human Genetics Tuebingen
Classification: Uncertain significance. Last evaluated: 2021-10-01. Review status: criteria provided, single submitter. Criteria: CeGaT Center For Human Genetics Tuebingen Variant Classification Criteria Version 2. Collection method: clinical testing. Allele origin: germline. Affected: yes. Observed: 1 variant allele. Not counted in ClinVar's aggregate classification.

NM_030662.4(MAP2K2):c.842G>A (p.Arg281Gln)

Gene: MAP2K2 (mitogen-activated protein kinase kinase 2; minus strand). Cytogenetic location: 19p13.3.
Variant type: single nucleotide variant.
Coding change: c.842G>A on transcript NM_030662.4 (MANE Select); coding-DNA position 842, G replaced by A.
Protein change: p.Arg281Gln; replaces arginine 281 with glutamine.
Molecular consequence: missense variant.
Genome position (GRCh38, 1-based): chr19:4,099,278, C>T on the plus strand (G>A on the coding strand, the complement: MAP2K2 is on the minus strand). VCF-style: chr19-4099278-C-T. GRCh37 (hg19) VCF-style: chr19-4099276-C-T.
Other names: c.842G>A (NM_030662.3); short protein forms R281Q.
Identifiers: ClinVar variation 569590 (VCV000569590.47), dbSNP rs1332074575, ClinGen allele CA403385475.
Genomic context (GRCh38, chr19:4,099,278, plus strand): 5'-GGGGGCCTCGGCCGAGGCGAGATGCTGTGAGGCTCTCCTTCTTCCCCGTCGACCACGGGC[C>T]GGCCAAAGATGGCCTCCAGCTCTTTGGCGTCGGGCGGGGGGATGGGGTACCTTCCGACGG-3'
Protein context (NP_109587.1, residues 271-291): DAKELEAIFG[Arg281Gln]PVVDGEEGEP